The following is an entry in ClinVar:

NM_198239.2(CCN6):c.624dup (p.Cys209fs)

Gene: CCN6 (cellular communication network factor 6; plus strand). Cytogenetic location: 6q21.
Variant type: Duplication.
Coding change: c.624dup on transcript NM_198239.2 (MANE Select); coding-DNA position 624, one base duplicated (A; older notation c.624dupA).
Protein change: p.Cys209fs; shifts the reading frame from cysteine 209.
Molecular consequence: frameshift variant. On other transcripts: non-coding transcript variant (2).
Genome position (GRCh38, 1-based): chr6:112,068,239, A duplicated; the last of 9 consecutive A bases (chr6:112,068,231-112,068,239); duplicating any one gives the same sequence. VCF-style (leftmost placement, unchanged base first): chr6-112068230-G-GA. GRCh37 (hg19) VCF-style: chr6-112389433-G-GA.
Other names: c.624dupA (NM_003880.3); c.624dup, p.Cys209fs (NM_003880.4); c.624dup (NM_003880.3); short protein forms C209fs.
Identifiers: ClinVar variation 1071874 (VCV001071874.9), dbSNP rs781790231, ClinGen allele CA3964067.

ClinVar aggregate classification (germline): Pathogenic. Review status: criteria provided, multiple submitters, no conflicts (2 of 4 stars). 3 submissions from 3 submitters: Pathogenic (3). Last evaluated 2025-12-30.

Conditions:
Progressive pseudorheumatoid dysplasia (PPRD). Also called: Progressive Pseudorheumatoid Arthropathy of Childhood; SPONDYLOEPIPHYSEAL DYSPLASIA TARDA WITH PROGRESSIVE ARTHROPATHY. Identifiers: Orphanet 1159, MedGen C0432215, MONDO:0008827, OMIM 208230. Disease mechanism: loss of function.

Submissions (3):

Labcorp Genetics (formerly Invitae), Labcorp
Classification: Pathogenic. Last evaluated: 2025-12-30. Review status: criteria provided, single submitter. Criteria: Invitae Variant Classification Sherloc (09022015). Collection method: clinical testing. Allele origin: germline.
Comment: This sequence change creates a premature translational stop signal (p.Cys209Metfs*21) in the WISP3 gene. It is expected to result in an absent or disrupted protein product. Loss-of-function variants in WISP3 are known to be pathogenic (PMID: 22791401). The frequency data for this variant in the population databases is considered unreliable, as metrics indicate poor data quality at this position in the gnomAD database. This premature translational stop signal has been observed in individual(s) with progressive pseudorheumatoid dysplasia (PMID: 21993478, 22987568, 25988854). This variant is also known as c.624_625insA. ClinVar contains an entry for this variant (Variation ID: 1071874). For these reasons, this variant has been classified as Pathogenic.

GeneDx
Classification: Pathogenic. Last evaluated: 2023-04-20. Review status: criteria provided, single submitter. Criteria: GeneDx Variant Classification Process June 2021. Collection method: clinical testing. Allele origin: germline. Affected: yes.
Comment: Frameshift variant predicted to result in protein truncation or nonsense mediated decay in a gene for which loss of function is a known mechanism of disease; Not observed at significant frequency in large population cohorts (gnomAD); This variant is associated with the following publications: (PMID: 20426955, 29246200, 29095814, 34919662, 32351055, 21993478)

Women's Health and Genetics/Laboratory Corporation of America, LabCorp
Classification: Pathogenic for Progressive pseudorheumatoid dysplasia. Last evaluated: 2022-09-26. Review status: criteria provided, single submitter. Criteria: LabCorp Variant Classification Summary - May 2015. Collection method: clinical testing. Allele origin: germline.
Comment: Variant summary: CCN6 c.624dupA (p.Cys209MetfsX21) results in a premature termination codon, predicted to cause a truncation of the encoded protein or absence of the protein. Truncations downstream of this position have been classified as pathogenic in ClinVar and is associated with Progressive Pseudorheumatoid Dysplasia in HGMD. The frequency of this variant in the general population could not be determined as the technology used for large population databases (ExAC, gnomAD, ESP, 1000G) cannot detect variants of this type. c.624dupA (also known as c.624_625insA) has been reported in the literature in compound heterozygous and homozygous individuals affected with Progressive Pseudorheumatoid Dysplasia (examples: Ye_2012 and Bhavani_2015). One clinical diagnostic laboratory has submitted clinical-significance assessments for this variant to ClinVar after 2014 and classified the variant as pathogenic. Based on the evidence outlined above, the variant was classified as pathogenic.

Literature cited by the submitters: PubMed 22791401 (cited by Labcorp Genetics (formerly Invitae), Labcorp); PubMed 21993478 (cited by Labcorp Genetics (formerly Invitae), Labcorp and Women's Health and Genetics/Laboratory Corporation of America, LabCorp); PubMed 22987568 (cited by Labcorp Genetics (formerly Invitae), Labcorp); PubMed 25988854 (cited by Labcorp Genetics (formerly Invitae), Labcorp and Women's Health and Genetics/Laboratory Corporation of America, LabCorp).